The following is an entry in ClinVar:

NM_018699.4(PRDM5):c.475+6G>C

Gene: PRDM5 (PR/SET domain 5; minus strand). Cytogenetic location: 4q27.
Variant type: single nucleotide variant.
Coding change: c.475+6G>C on transcript NM_018699.4 (MANE Select); 6 bases into the intron after coding-DNA position 475, G replaced by C.
Molecular consequence: intron variant.
Genome position (GRCh38, 1-based): chr4:120,821,165, C>G on the plus strand (G>C on the coding strand, the complement: PRDM5 is on the minus strand). VCF-style: chr4-120821165-C-G. GRCh37 (hg19) VCF-style: chr4-121742320-C-G.
Other names: c.475+6G>C (NM_001300824.2, NM_001379106.1, NM_001300823.2 and 1 more transcripts).
Identifiers: ClinVar variation 668686 (VCV000668686.1), dbSNP rs1367821206, ClinGen allele CA915943201.

ClinVar aggregate classification (germline): Likely benign (1 of 4 stars; one submission).

gnomAD v4.1: 1 of 1,613,450 alleles (0.000062%); no homozygotes.

Submission:

GeneDx
Classification: Likely benign. Last evaluated: 2018-06-04. Review status: criteria provided, single submitter. Criteria: GeneDx Variant Classification (06012015). Collection method: clinical testing. Allele origin: germline. Affected: yes.
Comment: This variant is considered likely benign or benign based on one or more of the following criteria: it is a conservative change, it occurs at a poorly conserved position in the protein, it is predicted to be benign by multiple in silico algorithms, and/or has population frequency not consistent with disease.